The following is an entry in ClinVar:

ClinVar aggregate classification (germline): Uncertain significance (1 of 4 stars; one submission).

Allele frequency attached by ClinVar (database versions not stated): gnomAD exomes below 0.00001 and 0.00001; ExAC 0.00005; ESP Exome Variant Server 0.00008.
gnomAD v4.1: 1 of 1,543,660 alleles (0.000065%); highest among the groups gnomAD compares: South Asian, 0.0012%; no homozygotes.

Submission:

Labcorp Genetics (formerly Invitae), Labcorp
Classification: Uncertain significance. Last evaluated: 2022-08-31. Review status: criteria provided, single submitter. Criteria: Invitae Variant Classification Sherloc (09022015). Collection method: clinical testing. Allele origin: germline.
Comment: This sequence change falls in intron 28 of the HTT gene. It does not directly change the encoded amino acid sequence of the HTT protein. It affects a nucleotide within the consensus splice site. This variant is present in population databases (rs377528397, gnomAD 0.004%). This variant has not been reported in the literature in individuals affected with HTT-related conditions. ClinVar contains an entry for this variant (Variation ID: 1440147). Variants that disrupt the consensus splice site are a relatively common cause of aberrant splicing (PMID: 17576681, 9536098). Experimental studies and prediction algorithms are not available or were not evaluated, and the effect of this variant on mRNA splicing is currently unknown. In summary, the available evidence is currently insufficient to determine the role of this variant in disease. Therefore, it has been classified as a Variant of Uncertain Significance.

Literature cited by the submitters: PubMed 17576681; PubMed 9536098.

NM_001388492.1(HTT):c.3754-3A>G

Gene: HTT (huntingtin; plus strand). Cytogenetic location: 4p16.3.
Variant type: single nucleotide variant.
Coding change: c.3754-3A>G on transcript NM_001388492.1 (MANE Select); 3 bases into the intron before coding-DNA position 3754, A replaced by G.
Molecular consequence: intron variant.
Genome position (GRCh38, 1-based): chr4:3,160,279, A>G. VCF-style: chr4-3160279-A-G. GRCh37 (hg19) VCF-style: chr4-3162006-A-G.
Other names: c.3754-3A>G (NM_002111.8).
Identifiers: ClinVar variation 1440147 (VCV001440147.6), dbSNP rs377528397, ClinGen allele CA2824225.